The following is an entry in ClinVar:

NM_025074.7(FRAS1):c.2891C>T (p.Ala964Val)

Gene: FRAS1 (Fraser extracellular matrix complex subunit 1; plus strand). Cytogenetic location: 4q21.21.
Variant type: single nucleotide variant.
Coding change: c.2891C>T on transcript NM_025074.7 (MANE Select); coding-DNA position 2891, C replaced by T.
Protein change: p.Ala964Val; replaces alanine 964 with valine.
Molecular consequence: missense variant.
Genome position (GRCh38, 1-based): chr4:78,372,739, C>T. VCF-style: chr4-78372739-C-T. GRCh37 (hg19) VCF-style: chr4-79293893-C-T.
Other names: c.2891C>T, p.Ala964Val (NM_001166133.2); short protein forms A964V.
Identifiers: ClinVar variation 1464053 (VCV001464053.6), dbSNP rs1704836684, ClinGen allele CA357373642.

ClinVar aggregate classification (germline): Uncertain significance. Review status: criteria provided, multiple submitters, no conflicts (2 of 4 stars). 2 submissions from 2 submitters: Uncertain significance (2). Last evaluated 2022-08-09.

Conditions:
Fraser syndrome 1 (FRASRS1). Also called: CRYPTOPHTHALMOS WITH OTHER MALFORMATIONS. Identifiers: Orphanet 2052, MedGen C4551480, MONDO:0054737, OMIM 219000.

Allele frequency attached by ClinVar (database versions not stated): TOPMed below 0.00001.

Submissions (2):

Labcorp Genetics (formerly Invitae), Labcorp
Classification: Uncertain significance. Last evaluated: 2022-08-09. Review status: criteria provided, single submitter. Criteria: Invitae Variant Classification Sherloc (09022015). Collection method: clinical testing. Allele origin: germline.
Comment: This sequence change replaces alanine, which is neutral and non-polar, with valine, which is neutral and non-polar, at codon 964 of the FRAS1 protein (p.Ala964Val). This variant is not present in population databases (gnomAD no frequency). This variant has not been reported in the literature in individuals affected with FRAS1-related conditions. ClinVar contains an entry for this variant (Variation ID: 1464053). Algorithms developed to predict the effect of missense changes on protein structure and function output the following: SIFT: "Tolerated"; PolyPhen-2: "Benign"; Align-GVGD: "Class C0". The valine amino acid residue is found in multiple mammalian species, which suggests that this missense change does not adversely affect protein function. Algorithms developed to predict the effect of sequence changes on RNA splicing suggest that this variant may create or strengthen a splice site. In summary, the available evidence is currently insufficient to determine the role of this variant in disease. Therefore, it has been classified as a Variant of Uncertain Significance.

Fulgent Genetics
Classification: Uncertain significance for Fraser syndrome 1. Last evaluated: 2022-04-19. Review status: criteria provided, single submitter. Criteria: ACMG Guidelines, 2015. Collection method: clinical testing. Allele origin: unknown.